The following is an entry in ClinVar:

ClinVar aggregate classification (germline): Likely pathogenic (1 of 4 stars; one submission).

Conditions:
3-Oxo-5 alpha-steroid delta 4-dehydrogenase deficiency (PPSH). Also called: PSEUDOVAGINAL PERINEOSCROTAL HYPOSPADIAS; FAMILIAL INCOMPLETE MALE PSEUDOHERMAPHRODITISM, TYPE 2; MALE PSEUDOHERMAPHRODITISM DUE TO 5-ALPHA-REDUCTASE DEFICIENCY; 46,XY disorder of sex development due to 5-alpha-reductase 2 deficiency. Identifiers: Orphanet 753, MedGen C0268297, MONDO:0009923, OMIM 264600. Disease mechanism: loss of function.

Submission:

Labcorp Genetics (formerly Invitae), Labcorp
Classification: Likely pathogenic for 3-Oxo-5 alpha-steroid delta 4-dehydrogenase deficiency. Last evaluated: 2023-03-21. Review status: criteria provided, single submitter. Criteria: Invitae Variant Classification Sherloc (09022015). Collection method: clinical testing. Allele origin: germline.
Comment: In summary, the currently available evidence indicates that the variant is pathogenic, but additional data are needed to prove that conclusively. Therefore, this variant has been classified as Likely Pathogenic. Algorithms developed to predict the effect of sequence changes on RNA splicing suggest that this variant may disrupt the consensus splice site. This variant has not been reported in the literature in individuals affected with SRD5A2-related conditions. This variant is not present in population databases (gnomAD no frequency). This sequence change affects a donor splice site in intron 1 of the SRD5A2 gene. It is expected to disrupt RNA splicing. Variants that disrupt the donor or acceptor splice site typically lead to a loss of protein function (PMID: 16199547), and loss-of-function variants in SRD5A2 are known to be pathogenic (PMID: 1406794, 1944596).

Literature cited by the submitters: PubMed 16199547; PubMed 1406794; PubMed 1944596.

NM_000348.4(SRD5A2):c.281+2T>C

Gene: SRD5A2 (steroid 5 alpha-reductase 2; minus strand). Cytogenetic location: 2p23.1.
Variant type: single nucleotide variant.
Coding change: c.281+2T>C on transcript NM_000348.4 (MANE Select); the canonical splice donor site of the intron after coding-DNA position 281, T replaced by C.
Molecular consequence: splice donor variant.
Genome position (GRCh38, 1-based): chr2:31,580,618, A>G on the plus strand (T>C on the coding strand, the complement: SRD5A2 is on the minus strand). VCF-style: chr2-31580618-A-G. GRCh37 (hg19) VCF-style: chr2-31805688-A-G.
Identifiers: ClinVar variation 2817515 (VCV002817515.3), dbSNP rs2465708102, ClinGen allele CA346598751.